The following is an entry in ClinVar:

NM_206933.4(USH2A):c.14191G>T (p.Gly4731Trp)

Gene: USH2A (usherin; minus strand). Cytogenetic location: 1q41.
Variant type: single nucleotide variant.
Coding change: c.14191G>T on transcript NM_206933.4 (MANE Select); coding-DNA position 14191, G replaced by T.
Protein change: p.Gly4731Trp; replaces glycine 4731 with tryptophan.
Molecular consequence: missense variant.
Genome position (GRCh38, 1-based): chr1:215,650,744, C>A on the plus strand (G>T on the coding strand, the complement: USH2A is on the minus strand). VCF-style: chr1-215650744-C-A. GRCh37 (hg19) VCF-style: chr1-215824086-C-A.
Other names: short protein forms G4731W.
Identifiers: ClinVar variation 1983083 (VCV001983083.5), dbSNP rs148674752, ClinGen allele CA37392511.
Genomic context (GRCh38, chr1:215,650,744, plus strand): 5'-CTTGGGTAGAAGAGATCACATGGAACGTGGGGGCTCTGAGACCTTCTGGTGGGGCTGGCC[C>A]GGTTCTGCACCATGTCCAGCTACTGGGGGCTTTTCCTGCAGAATTCACTGCCCAGACCTC-3'
Protein context (NP_996816.3, residues 4721-4741): APSSWTWCRT[Gly4731Trp]PAPPEGLRAP

ClinVar aggregate classification (germline): Uncertain significance. Review status: criteria provided, multiple submitters, no conflicts (2 of 4 stars). 2 submissions from 2 submitters: Uncertain significance (2). Last evaluated 2022-12-30.

gnomAD v4.1: 2 of 1,613,634 alleles (0.00012%); highest among the groups gnomAD compares: Admixed American, 0.0017%; no homozygotes.

Submissions (2):

Labcorp Genetics (formerly Invitae), Labcorp
Classification: Uncertain significance. Last evaluated: 2022-12-30. Review status: criteria provided, single submitter. Criteria: Invitae Variant Classification Sherloc (09022015). Collection method: clinical testing. Allele origin: germline.
Comment: This sequence change replaces glycine, which is neutral and non-polar, with tryptophan, which is neutral and slightly polar, at codon 4731 of the USH2A protein (p.Gly4731Trp). This variant is present in population databases (no rsID available, gnomAD 0.003%). This variant has not been reported in the literature in individuals affected with USH2A-related conditions. Algorithms developed to predict the effect of missense changes on protein structure and function output the following: SIFT: "Deleterious"; PolyPhen-2: "Possibly Damaging"; Align-GVGD: "Class C0". The tryptophan amino acid residue is found in multiple mammalian species, which suggests that this missense change does not adversely affect protein function. In summary, the available evidence is currently insufficient to determine the role of this variant in disease. Therefore, it has been classified as a Variant of Uncertain Significance.

Blueprint Genetics
Classification: Uncertain significance. Last evaluated: 2018-05-04. Review status: criteria provided, single submitter. Criteria: ACMG Guidelines, 2015. Collection method: clinical testing. Allele origin: germline.